The following is an entry in ClinVar:

ClinVar aggregate classification (germline): Uncertain significance. Review status: criteria provided, multiple submitters, no conflicts (2 of 4 stars). 4 submissions from 4 submitters: Uncertain significance (4). Last evaluated 2025-10-27.

Conditions:
Charcot-Marie-Tooth disease type 2. Also called: Charcot-Marie-Tooth type 2. Identifiers: Orphanet 64746, MedGen C0270914, MONDO:0018993.
KIF1B-related disorder. Also called: KIF1B-related condition.

Allele frequency attached by ClinVar (database versions not stated): gnomAD 0.00001; ExAC 0.00002; gnomAD exomes 0.00002; TOPMed 0.00002.
gnomAD v4.1: 60 of 1,613,940 alleles (0.0037%); highest among the groups gnomAD compares: Non-Finnish European, 0.0046%; no homozygotes.

Submissions (4):

PreventionGenetics, part of Exact Sciences
Classification: Uncertain significance for KIF1B-related condition. Last evaluated: 2025-10-27. Review status: criteria provided, single submitter. Criteria: ACMG Guidelines, 2015. Collection method: clinical testing. Allele origin: germline.
Comment: The KIF1B c.2497C>G variant is predicted to result in the amino acid substitution p.Pro833Ala. To our knowledge, this variant has not been reported in the literature. This variant is reported in 0.0046% of alleles in individuals of European (Finnish) descent in gnomAD. At this time, the clinical significance of this variant is uncertain due to the absence of conclusive functional and genetic evidence.

Ambry Genetics
Classification: Uncertain significance. Last evaluated: 2025-06-06. Review status: criteria provided, single submitter. Criteria: Ambry Variant Classification Scheme 2023. Collection method: clinical testing. Allele origin: germline.
Comment: The p.P833A variant (also known as c.2497C>G), located in coding exon 23 of the KIF1B gene, results from a C to G substitution at nucleotide position 2497. The proline at codon 833 is replaced by alanine, an amino acid with highly similar properties. This amino acid position is highly conserved in available vertebrate species. In addition, this alteration is predicted to be deleterious by in silico analysis. The evidence for this gene-disease relationship is limited; therefore, the clinical significance of this alteration is unclear.

ARUP Laboratories, Molecular Genetics and Genomics, ARUP Laboratories
Classification: Uncertain significance. Last evaluated: 2024-12-11. Review status: criteria provided, single submitter. Criteria: ARUP Molecular Germline Variant Investigation Process 2024. Collection method: clinical testing. Allele origin: germline.
Comment: The KIF1B c.2497C>G; p.Pro833Ala variant (rs767998327), to our knowledge, is not reported in the medical literature but is reported in ClinVar (Variation ID: 1374443). This variant is found in the general population with an overall allele frequency of 0.002% (4/251,484 alleles) in the Genome Aggregation Database (v2.1.1). Computational analyses predict that this variant is deleterious (REVEL: 0.871). However, given the lack of clinical and functional data, the significance of this variant is uncertain at this time.

Labcorp Genetics (formerly Invitae), Labcorp
Classification: Uncertain significance for Charcot-Marie-Tooth disease type 2. Last evaluated: 2024-07-09. Review status: criteria provided, single submitter. Criteria: Invitae Variant Classification Sherloc (09022015). Collection method: clinical testing. Allele origin: germline.
Comment: This sequence change replaces proline, which is neutral and non-polar, with alanine, which is neutral and non-polar, at codon 833 of the KIF1B protein (p.Pro833Ala). This variant is present in population databases (rs767998327, gnomAD 0.004%). This variant has not been reported in the literature in individuals affected with KIF1B-related conditions. ClinVar contains an entry for this variant (Variation ID: 1374443). An algorithm developed to predict the effect of missense changes on protein structure and function (PolyPhen-2) suggests that this variant is likely to be disruptive. In summary, the available evidence is currently insufficient to determine the role of this variant in disease. Therefore, it has been classified as a Variant of Uncertain Significance.

NM_001365951.3(KIF1B):c.2635C>G (p.Pro879Ala)

Gene: KIF1B (kinesin family member 1B; plus strand). Cytogenetic location: 1p36.22.
Variant type: single nucleotide variant.
Coding change: c.2635C>G on transcript NM_001365951.3 (MANE Select); coding-DNA position 2635, C replaced by G.
Protein change: p.Pro879Ala; replaces proline 879 with alanine.
Molecular consequence: missense variant.
Genome position (GRCh38, 1-based): chr1:10,324,855, C>G. VCF-style: chr1-10324855-C-G. GRCh37 (hg19) VCF-style: chr1-10384913-C-G.
Other names: c.2635C>G, p.Pro879Ala (NM_001365952.1); c.2497C>G, p.Pro833Ala (NM_015074.3); short protein forms P833A, P879A.
Identifiers: ClinVar variation 1374443 (VCV001374443.11), dbSNP rs767998327, ClinGen allele CA581571.